The following is an entry in ClinVar:

ClinVar aggregate classification (germline): Uncertain significance. Review status: criteria provided, multiple submitters, no conflicts (2 of 4 stars). 2 submissions from 2 submitters: Uncertain significance (2). Last evaluated 2024-02-05.

Conditions:
Seizures, benign familial infantile, 3 (BFIS3). Also called: CONVULSIONS, BENIGN FAMILIAL INFANTILE, 3; Familial neonatal seizures. Identifiers: Orphanet 140927, Orphanet 306, MedGen C1843140, MONDO:0011904, OMIM 607745.
Developmental and epileptic encephalopathy, 11 (DEE11). Also called: Early infantile epileptic encephalopathy 11. Identifiers: Orphanet 1934, MedGen C3150987, MONDO:0013388, OMIM 613721.

Allele frequency attached by ClinVar (database versions not stated): gnomAD exomes below 0.00001 and 0.00001; ExAC 0.00001; gnomAD 0.00001.
gnomAD v4.1: 4 of 1,613,726 alleles (0.00025%); highest among the groups gnomAD compares: Non-Finnish European, 0.00034%; no homozygotes.

Submissions (2):

Labcorp Genetics (formerly Invitae), Labcorp
Classification: Uncertain significance for Seizures, benign familial infantile, 3; Developmental and epileptic encephalopathy, 11. Last evaluated: 2024-02-05. Review status: criteria provided, single submitter. Criteria: Invitae Variant Classification Sherloc (09022015). Collection method: clinical testing. Allele origin: germline.
Comment: This sequence change replaces phenylalanine, which is neutral and non-polar, with isoleucine, which is neutral and non-polar, at codon 760 of the SCN2A protein (p.Phe760Ile). This variant is present in population databases (rs775759603, gnomAD 0.0009%). This variant has not been reported in the literature in individuals affected with SCN2A-related conditions. ClinVar contains an entry for this variant (Variation ID: 1522550). Advanced modeling of protein sequence and biophysical properties (such as structural, functional, and spatial information, amino acid conservation, physicochemical variation, residue mobility, and thermodynamic stability) performed at Invitae indicates that this missense variant is expected to disrupt SCN2A protein function with a positive predictive value of 95%. In summary, the available evidence is currently insufficient to determine the role of this variant in disease. Therefore, it has been classified as a Variant of Uncertain Significance.

CeGaT Center for Human Genetics Tuebingen
Classification: Uncertain significance. Last evaluated: 2024-02-01. Review status: criteria provided, single submitter. Criteria: CeGaT Center For Human Genetics Tuebingen Variant Classification Criteria Version 2. Collection method: clinical testing. Allele origin: germline. Affected: yes. Observed: 1 variant allele.
Comment: SCN2A: PM2, PP3

NM_001040142.2(SCN2A):c.2278T>A (p.Phe760Ile)

Gene: SCN2A (sodium voltage-gated channel alpha subunit 2; plus strand). Cytogenetic location: 2q24.3.
Variant type: single nucleotide variant.
Coding change: c.2278T>A on transcript NM_001040142.2 (MANE Select); coding-DNA position 2278, T replaced by A.
Protein change: p.Phe760Ile; replaces phenylalanine 760 with isoleucine.
Molecular consequence: missense variant.
Genome position (GRCh38, 1-based): chr2:165,331,458, T>A. VCF-style: chr2-165331458-T-A. GRCh37 (hg19) VCF-style: chr2-166187968-T-A.
Other names: c.2278T>A, p.Phe760Ile (NM_001040143.2, NM_001371246.1, NM_001371247.1 and 1 more transcripts); short protein forms F760I.
Identifiers: ClinVar variation 1522550 (VCV001522550.28), dbSNP rs775759603, ClinGen allele CA1939953.